The following is an entry in ClinVar:

ClinVar aggregate classification (germline): Uncertain significance (1 of 4 stars; one submission).

Conditions:
Inborn genetic diseases. Identifiers: MedGen C0950123, MeSH D030342.

Submission:

Ambry Genetics
Classification: Uncertain significance for Inborn genetic diseases. Last evaluated: 2026-07-17. Review status: criteria provided, single submitter. Criteria: Ambry Variant Classification Scheme 2023. Collection method: clinical testing. Allele origin: germline.
Comment: The p.I235V variant (also known as c.703A>G), located in coding exon 1 of the SAMD9 gene, results from an A to G substitution at nucleotide position 703. The isoleucine at codon 235 is replaced by valine, an amino acid with highly similar properties. This amino acid position is conserved. In addition, this alteration is predicted to be tolerated by in silico analysis. Based on the available evidence, the clinical significance of this variant remains unclear.

NM_017654.4(SAMD9):c.703A>G (p.Ile235Val)

Gene: SAMD9 (sterile alpha motif domain containing 9; minus strand). Cytogenetic location: 7q21.2.
Variant type: single nucleotide variant.
Coding change: c.703A>G on transcript NM_017654.4 (MANE Select); coding-DNA position 703, A replaced by G.
Protein change: p.Ile235Val; replaces isoleucine 235 with valine.
Molecular consequence: missense variant.
Genome position (GRCh38, 1-based): chr7:93,105,395, T>C on the plus strand (A>G on the coding strand, the complement: SAMD9 is on the minus strand). VCF-style: chr7-93105395-T-C. GRCh37 (hg19) VCF-style: chr7-92734708-T-C.
Other names: c.703A>G, p.Ile235Val (NM_001193307.2); short protein forms I235V.
Identifiers: ClinVar variation 5028765 (VCV005028765.1).